The following is an entry in ClinVar:

NM_001142800.2(EYS):c.6029C>G (p.Ser2010Ter)

Gene: EYS (EGF-like photoreceptor maintenance factor; minus strand). Cytogenetic location: 6q12.
Variant type: single nucleotide variant.
Coding change: c.6029C>G on transcript NM_001142800.2 (MANE Select); coding-DNA position 6029, C replaced by G.
Protein change: p.Ser2010Ter; replaces serine 2010 with a stop codon.
Molecular consequence: nonsense.
Genome position (GRCh38, 1-based): chr6:64,388,739, G>C on the plus strand (C>G on the coding strand, the complement: EYS is on the minus strand). VCF-style: chr6-64388739-G-C. GRCh37 (hg19) VCF-style: chr6-65098632-G-C.
Other names: c.6029C>G, p.Ser2010Ter (NM_001292009.2); short protein forms S2010*.
Identifiers: ClinVar variation 2035155 (VCV002035155.4), dbSNP rs199946945, ClinGen allele CA364392039.
Genomic context (GRCh38, chr6:64,388,739, plus strand): 5'-TATAGAAATACCTGGATTTTCCCATGAAGGTCTGGAAATCCACCAATGAAGACAGATCCT[G>C]ATTTTGGCAGGGGTTTTCCGAGTACATGATTGATAGATTCGCATATTTGTGTATTCCTCC-3'

ClinVar aggregate classification (germline): Pathogenic (1 of 4 stars; one submission).

Submission:

Labcorp Genetics (formerly Invitae), Labcorp
Classification: Pathogenic. Last evaluated: 2022-10-11. Review status: criteria provided, single submitter. Criteria: Invitae Variant Classification Sherloc (09022015). Collection method: clinical testing. Allele origin: germline.
Comment: For these reasons, this variant has been classified as Pathogenic. This variant has not been reported in the literature in individuals affected with EYS-related conditions. This variant is not present in population databases (gnomAD no frequency). This sequence change creates a premature translational stop signal (p.Ser2010*) in the EYS gene. It is expected to result in an absent or disrupted protein product. Loss-of-function variants in EYS are known to be pathogenic (PMID: 18836446, 20333770).

Literature cited by the submitters: PubMed 18836446; PubMed 20333770.